The following is an entry in ClinVar:

ClinVar aggregate classification (germline): Pathogenic (1 of 4 stars; one submission).

Submission:

Labcorp Genetics (formerly Invitae), Labcorp
Classification: Pathogenic. Last evaluated: 2023-05-01. Review status: criteria provided, single submitter. Criteria: Invitae Variant Classification Sherloc (09022015). Collection method: clinical testing. Allele origin: germline.
Comment: This variant has not been reported in the literature in individuals affected with USH1C-related conditions. For these reasons, this variant has been classified as Pathogenic. This variant is not present in population databases (gnomAD no frequency). This sequence change creates a premature translational stop signal (p.Gly426Glufs*39) in the USH1C gene. It is expected to result in an absent or disrupted protein product. Loss-of-function variants in USH1C are known to be pathogenic (PMID: 10973247, 17407589, 20301442, 21203349).

Literature cited by the submitters: PubMed 10973247; PubMed 17407589; PubMed 20301442; PubMed 21203349.

NM_005709.4(USH1C):c.1277del (p.Gly426fs)

Gene: USH1C (USH1 protein network component harmonin; minus strand). Cytogenetic location: 11p15.1.
Variant type: Deletion.
Coding change: c.1277del on transcript NM_005709.4 (MANE Plus Clinical); coding-DNA position 1277, one base deleted (G; older notation c.1277delG).
Protein change: p.Gly426fs; shifts the reading frame from glycine 426.
Molecular consequence: frameshift variant. On other transcripts: intron variant (1).
Genome position (GRCh38, 1-based): chr11:17,517,408, C deleted on the plus strand (G on the coding strand, the reverse complement: USH1C is on the minus strand); the first of 3 consecutive C bases (chr11:17,517,408-17,517,410); deleting any one gives the same sequence. VCF-style (leftmost placement, unchanged base first): chr11-17517407-TC-T. GRCh37 (hg19) VCF-style: chr11-17538954-TC-T.
Other names: c.1220del, p.Gly407fs (NM_001297764.2); c.1211-1118del (NM_153676.4); short protein forms G407fs, G426fs.
Identifiers: ClinVar variation 2861208 (VCV002861208.3), dbSNP rs2497112484, ClinGen allele CA2739276269.
Genomic context (GRCh38, chr11:17,517,407, plus strand): 5'-GCGGGCAGGGTAAAGCAGAGCAGCCAGGCCAGGGAGCAAAGCGGGGACGCGAACCTGCTC[TC>T]CCTGCTCCTCCGTGCCTCCATCCAGGTCATCTGCGGGCTCGAGCTCAGGTTCCACTCCCT-3'